The following is an entry in ClinVar:

NM_024298.5(MBOAT7):c.653G>C (p.Arg218Pro)

Gene: MBOAT7 (membrane bound acylglycerophosphatidylinositol O-acyltransferase MBOAT7; minus strand). Cytogenetic location: 19q13.42.
Variant type: single nucleotide variant.
Coding change: c.653G>C on transcript NM_024298.5 (MANE Select); coding-DNA position 653, G replaced by C.
Protein change: p.Arg218Pro; replaces arginine 218 with proline.
Molecular consequence: missense variant.
Genome position (GRCh38, 1-based): chr19:54,180,974, C>G on the plus strand (G>C on the coding strand, the complement: MBOAT7 is on the minus strand). VCF-style: chr19-54180974-C-G. GRCh37 (hg19) VCF-style: chr19-54684691-C-G.
Other names: c.434G>C, p.Arg145Pro (NM_001146056.3, NM_001146083.3); c.653G>C, p.Arg218Pro (NM_001146082.3); short protein forms R145P, R218P.
Identifiers: ClinVar variation 1013401 (VCV001013401.41), dbSNP rs185682596, ClinGen allele CA309346649.
Genomic context (GRCh38, chr19:54,180,974, plus strand): 5'-AAGACGGGGATCATGTAGAAGAGGCGGGCGGGCAGCGGGCGGGCGTAGAAGGCGTCCTCG[C>G]GCACGGCCTCCAGCGGGAAGAGGTGAGAGGAGAGCAGGAACAGCAGGCCGAAGAGCGGGG-3'
Protein context (NP_077274.3, residues 208-228): SSHLFPLEAV[Arg218Pro]EDAFYARPLP

ClinVar aggregate classification (germline): Conflicting classifications of pathogenicity. Review status: criteria provided, conflicting classifications (1 of 4 stars). 4 submissions from 4 submitters: Uncertain significance (3); Likely benign (1). Last evaluated 2025-08-01.

Conditions:
Intellectual developmental disorder, autosomal recessive 57. Also called: Intellectual disability, autosomal recessive 57. Identifiers: MedGen C4310673, MONDO:0014962, OMIM 617188.
Intellectual disability. Also called: Intellectual functioning disability; intellectual disabilities; Intellectual developmental disorder. Identifiers: MedGen C3714756, MeSH D008607, MONDO:0001071, HP:0001249.

Allele frequency attached by ClinVar (database versions not stated): 1000 Genomes Project 0.00080; TOPMed 0.00070; 1000 Genomes Project 30x 0.00062; ESP Exome Variant Server 0.00102.
gnomAD v4.1: 2,043 of 1,571,302 alleles (0.13%); highest among the groups gnomAD compares: Non-Finnish European, 0.16%; 5 homozygotes.

Submissions (4):

CeGaT Center for Human Genetics Tuebingen
Classification: Likely benign. Last evaluated: 2025-08-01. Review status: criteria provided, single submitter. Criteria: CeGaT Center For Human Genetics Tuebingen Variant Classification Criteria Version 2. Collection method: clinical testing. Allele origin: germline. Affected: yes. Observed: 5 variant alleles.
Comment: MBOAT7: BS2

Blueprint Genetics
Classification: Uncertain significance. Last evaluated: 2024-11-15. Review status: criteria provided, single submitter. Criteria: ACMG Guidelines, 2015. Collection method: clinical testing. Allele origin: germline.

Cambridge Genomics Laboratory, East Genomic Laboratory Hub, NHS Genomic Medicine Service
Classification: Uncertain significance for Intellectual disability. Last evaluated: 2020-01-25. Review status: criteria provided, single submitter. Criteria: ACGS Best Practice Guidelines for Variant Classification in Rare Disease 2020. Collection method: clinical testing. Allele origin: germline. Affected: yes. Observed: 1 variant allele.

Baylor Genetics
Classification: Uncertain significance for Intellectual developmental disorder, autosomal recessive 57. Last evaluated: 2018-02-19. Review status: criteria provided, single submitter. Criteria: ACMG Guidelines, 2015. Collection method: clinical testing. Allele origin: paternal. Affected: yes.
Comment: This variant was determined to be of uncertain significance according to ACMG Guidelines, 2015 [PMID:25741868].